The following is an entry in ClinVar:

NM_000493.4(COL10A1):c.1789T>C (p.Tyr597His)

Genes: COL10A1 (collagen type X alpha 1 chain; minus strand), NT5DC1 (5'-nucleotidase domain containing 1; plus strand). Cytogenetic location: 6q22.1.
Variant type: single nucleotide variant.
Coding change: c.1789T>C on transcript NM_000493.4 (MANE Select); coding-DNA position 1789, T replaced by C.
Protein change: p.Tyr597His; replaces tyrosine 597 with histidine.
Molecular consequence: missense variant. On other transcripts: intron variant (1).
Genome position (GRCh38, 1-based): chr6:116,120,327, A>G on the plus strand (T>C on the coding strand, the complement: COL10A1 is on the minus strand). VCF-style: chr6-116120327-A-G. GRCh37 (hg19) VCF-style: chr6-116441490-A-G.
Other names: c.1789T>C, p.Tyr597His (NM_001424106.1, NM_001424107.1); c.529+2382A>G (NM_152729.3); short protein forms Y597H.
Identifiers: ClinVar variation 2136455 (VCV002136455.6), dbSNP rs2534084554, ClinGen allele CA365386853.

ClinVar aggregate classification (germline): Pathogenic/Likely pathogenic. Review status: criteria provided, multiple submitters, no conflicts (2 of 4 stars). 3 submissions from 3 submitters: Pathogenic (2); Likely pathogenic (1). Last evaluated 2025-07-10.

Conditions:
Metaphyseal chondrodysplasia, Schmid type (MCDS). Also called: SPONDYLOMETAPHYSEAL DYSPLASIA, JAPANESE TYPE. Identifiers: Orphanet 174, MedGen C0265289, MONDO:0007983, OMIM 156500.

Submissions (3):

3billion
Classification: Pathogenic for Metaphyseal chondrodysplasia, Schmid type. Last evaluated: 2025-07-10. Review status: criteria provided, single submitter. Criteria: ACMG Guidelines, 2015. Collection method: clinical testing. Allele origin: germline. Affected: yes.
Comment: The variant is not observed in the gnomAD v4.1.0 dataset. Predicted Consequence/Location: Missense variant In silico tool predictions suggest damaging effect of the variant on gene or gene product [REVEL: 0.85 (>=0.6, sensitivity 0.68 and specificity 0.92); 3Cnet: 0.97 (> 0.75, sensitivity 0.96 and precision 0.92)]. The same nucleotide change resulting in the same amino acid change has been previously reported as pathogenic/likely pathogenic with strong evidence (ClinVar ID: VCV002136455 /PMID: 7607655). The variant has been observed in at least two similarly affected unrelated individuals (PMID: 7607655). A different missense change at the same codon (p.Tyr597Cys) has been reported to be associated with COL10A1-related disorder (ClinVar ID: VCV000017480 /PMID: 9852679). Therefore, this variant is classified as Pathogenic according to the recommendation of ACMG/AMP guideline.

GeneDx
Classification: Likely pathogenic. Last evaluated: 2023-05-30. Review status: criteria provided, single submitter. Criteria: GeneDx Variant Classification Process June 2021. Collection method: clinical testing. Allele origin: germline. Affected: yes.
Comment: Not observed at significant frequency in large population cohorts (gnomAD); In silico analysis supports that this missense variant does not alter protein structure/function; This variant is associated with the following publications: (PMID: 36400164, 7607655, 15880705)

Labcorp Genetics (formerly Invitae), Labcorp
Classification: Pathogenic. Last evaluated: 2022-10-13. Review status: criteria provided, single submitter. Criteria: Invitae Variant Classification Sherloc (09022015). Collection method: clinical testing. Allele origin: germline.
Comment: This variant is not present in population databases (gnomAD no frequency). For these reasons, this variant has been classified as Pathogenic. This variant disrupts the p.Tyr597 amino acid residue in COL10A1. Other variant(s) that disrupt this residue have been observed in individuals with COL10A1-related conditions (PMID: 9852679), which suggests that this may be a clinically significant amino acid residue. Advanced modeling of protein sequence and biophysical properties (such as structural, functional, and spatial information, amino acid conservation, physicochemical variation, residue mobility, and thermodynamic stability) performed at Invitae indicates that this missense variant is expected to disrupt COL10A1 protein function. This missense change has been observed in individual(s) with clinical features of metaphyseal chondrodysplasia, Schmid type (PMID: 7607655; Invitae). In at least one individual the variant was observed to be de novo. It has also been observed to segregate with disease in related individuals. This sequence change replaces tyrosine, which is neutral and polar, with histidine, which is basic and polar, at codon 597 of the COL10A1 protein (p.Tyr597His).

Literature cited by the submitters: PubMed 7607655 (cited by 3billion and Labcorp Genetics (formerly Invitae), Labcorp); PubMed 9852679 (cited by 3billion and Labcorp Genetics (formerly Invitae), Labcorp).